The following is an entry in ClinVar:

ClinVar aggregate classification (germline): Uncertain significance (1 of 4 stars; one submission).

Allele frequency attached by ClinVar (database versions not stated): gnomAD exomes below 0.00001.
gnomAD v4.1: 1 of 1,612,482 alleles (0.000062%); highest among the groups gnomAD compares: Non-Finnish European, 0.000085%; no homozygotes.

Submission:

Labcorp Genetics (formerly Invitae), Labcorp
Classification: Uncertain significance. Last evaluated: 2022-05-25. Review status: criteria provided, single submitter. Criteria: Invitae Variant Classification Sherloc (09022015). Collection method: clinical testing. Allele origin: germline.
Comment: In summary, the available evidence is currently insufficient to determine the role of this variant in disease. Therefore, it has been classified as a Variant of Uncertain Significance. Algorithms developed to predict the effect of missense changes on protein structure and function (SIFT, PolyPhen-2, Align-GVGD) all suggest that this variant is likely to be tolerated. This variant has not been reported in the literature in individuals affected with MCM5-related conditions. This variant is not present in population databases (gnomAD no frequency). This sequence change replaces aspartic acid, which is acidic and polar, with glycine, which is neutral and non-polar, at codon 599 of the MCM5 protein (p.Asp599Gly).

NM_006739.4(MCM5):c.1796A>G (p.Asp599Gly)

Gene: MCM5 (minichromosome maintenance complex component 5; plus strand). Cytogenetic location: 22q12.3.
Variant type: single nucleotide variant.
Coding change: c.1796A>G on transcript NM_006739.4 (MANE Select); coding-DNA position 1796, A replaced by G.
Protein change: p.Asp599Gly; replaces aspartic acid 599 with glycine.
Molecular consequence: missense variant.
Genome position (GRCh38, 1-based): chr22:35,419,976, A>G. VCF-style: chr22-35419976-A-G. GRCh37 (hg19) VCF-style: chr22-35815969-A-G.
Other names: short protein forms D599G.
Identifiers: ClinVar variation 1993234 (VCV001993234.4), dbSNP rs2517906681, ClinGen allele CA411349813.